The following is an entry in ClinVar:

ClinVar aggregate classification (germline): Uncertain significance (1 of 4 stars; one submission).

Submission:

GeneDx
Classification: Uncertain significance. Last evaluated: 2024-08-12. Review status: criteria provided, single submitter. Criteria: GeneDx Variant Classification Process June 2021. Collection method: clinical testing. Allele origin: germline. Affected: yes.
Comment: Not observed at significant frequency in large population cohorts (gnomAD); The last nucleotide of the exon variant in a gene for which loss-of-function is a known mechanism of disease, and both splice predictors and evolutionary conservation support a deleterious effect, although in the absence of functional evidence the actual effect of this sequence change is unknown.; Has not been previously published as pathogenic or benign to our knowledge

NM_020987.5(ANK3):c.2085G>A (p.Lys695=)

Gene: ANK3 (ankyrin 3; minus strand). Cytogenetic location: 10q21.2.
Variant type: single nucleotide variant.
Coding change: c.2085G>A on transcript NM_020987.5 (MANE Select); coding-DNA position 2085, G replaced by A.
Protein change: p.Lys695=; no amino-acid change (lysine 695 retained).
Molecular consequence: synonymous variant.
Genome position (GRCh38, 1-based): chr10:60,186,715, C>T on the plus strand (G>A on the coding strand, the complement: ANK3 is on the minus strand). VCF-style: chr10-60186715-C-T. GRCh37 (hg19) VCF-style: chr10-61946473-C-T.
Other names: c.2067G>A, p.Lys689= (NM_001204403.2); c.2034G>A, p.Lys678= (NM_001204404.2); c.2085G>A, p.Lys695= (NM_001320874.2).
Identifiers: ClinVar variation 3730864 (VCV003730864.1).